The following is an entry in ClinVar:

NM_170606.3(KMT2C):c.11316_11317del (p.Gly3773fs)

Gene: KMT2C (lysine methyltransferase 2C; minus strand). Cytogenetic location: 7q36.1.
Variant type: Deletion.
Coding change: c.11316_11317del on transcript NM_170606.3 (MANE Select); coding-DNA positions 11316 to 11317, 2 bases deleted (AG; older notation c.11316_11317delAG).
Protein change: p.Gly3773fs; shifts the reading frame from glycine 3773.
Molecular consequence: frameshift variant.
Genome position (GRCh38, 1-based): chr7:152,162,260-152,162,261, CT deleted on the plus strand (AG on the coding strand, the reverse complement: KMT2C is on the minus strand). VCF-style (leftmost placement, unchanged base first): chr7-152162259-CCT-C. GRCh37 (hg19) VCF-style: chr7-151859344-CCT-C.
Other names: short protein forms G3773fs.
Identifiers: ClinVar variation 2304891 (VCV002304891.2), dbSNP rs2487684661, ClinGen allele CA2580077727.

ClinVar aggregate classification (germline): Pathogenic (1 of 4 stars; one submission).

Conditions:
Inborn genetic diseases. Identifiers: MedGen C0950123, MeSH D030342.

Submission:

Ambry Genetics
Classification: Pathogenic for Inborn genetic diseases. Last evaluated: 2022-09-13. Review status: criteria provided, single submitter. Criteria: Ambry Variant Classification Scheme 2023. Collection method: clinical testing. Allele origin: germline.
Comment: The c.11316_11317delAG (p.G3773Efs*2) alteration, located in exon 43 (coding exon 43) of the KMT2C gene, consists of a deletion of 2 nucleotides from position 11316 to 11317, causing a translational frameshift with a predicted alternate stop codon after 2 amino acids. This alteration is expected to result in loss of function by premature protein truncation or nonsense-mediated mRNA decay. This variant was not reported in population-based cohorts in the Genome Aggregation Database (gnomAD). Based on the available evidence, this alteration is classified as pathogenic.